The following is an entry in ClinVar:

ClinVar aggregate classification (germline): Uncertain significance. Review status: criteria provided, multiple submitters, no conflicts (2 of 4 stars). 2 submissions from 2 submitters: Uncertain significance (2). Last evaluated 2025-05-04.

Allele frequency attached by ClinVar (database versions not stated): gnomAD 0.00003 and 0.00004; TOPMed 0.00003.

Submissions (2):

Ambry Genetics
Classification: Uncertain significance. Last evaluated: 2025-05-04. Review status: criteria provided, single submitter. Criteria: Ambry Variant Classification Scheme 2023. Collection method: clinical testing. Allele origin: germline.

Labcorp Genetics (formerly Invitae), Labcorp
Classification: Uncertain significance. Last evaluated: 2021-08-19. Review status: criteria provided, single submitter. Criteria: Invitae Variant Classification Sherloc (09022015). Collection method: clinical testing. Allele origin: germline.
Comment: In summary, the available evidence is currently insufficient to determine the role of this variant in disease. Therefore, it has been classified as a Variant of Uncertain Significance. Algorithms developed to predict the effect of missense changes on protein structure and function are either unavailable or do not agree on the potential impact of this missense change (SIFT: "Deleterious"; PolyPhen-2: "Benign"; Align-GVGD: "Class C15"). This variant has not been reported in the literature in individuals affected with TUBA8-related conditions. This variant is not present in population databases (ExAC no frequency). This sequence change replaces serine with cysteine at codon 294 of the TUBA8 protein (p.Ser294Cys). The serine residue is highly conserved and there is a moderate physicochemical difference between serine and cysteine.

NM_018943.3(TUBA8):c.881C>G (p.Ser294Cys)

Gene: TUBA8 (tubulin alpha 8; plus strand). Cytogenetic location: 22q11.21.
Variant type: single nucleotide variant.
Coding change: c.881C>G on transcript NM_018943.3 (MANE Select); coding-DNA position 881, C replaced by G.
Protein change: p.Ser294Cys; replaces serine 294 with cysteine.
Molecular consequence: missense variant.
Genome position (GRCh38, 1-based): chr22:18,126,859, C>G. VCF-style: chr22-18126859-C-G. GRCh37 (hg19) VCF-style: chr22-18609626-C-G.
Other names: c.683C>G, p.Ser228Cys (NM_001193414.2); c.881C>G (NM_018943.2); short protein forms S294C, S228C.
Identifiers: ClinVar variation 1479574 (VCV001479574.7), dbSNP rs970581729, ClinGen allele CA321284403.